The following is an entry in ClinVar:

ClinVar aggregate classification (germline): Benign/Likely benign. Review status: criteria provided, multiple submitters, no conflicts (2 of 4 stars). 3 submissions from 3 submitters: Benign (1); Likely benign (2). Last evaluated 2025-10-26.

Conditions:
Palmoplantar keratoderma, epidermolytic. Also called: Localized epidermolytic hyperkeratosis. Identifiers: MedGen C1721006, MONDO:0968949, HP:0007559.

Allele frequency attached by ClinVar (database versions not stated): ExAC 0.00417; 1000 Genomes Project 30x 0.00718; 1000 Genomes Project 0.00719; ESP Exome Variant Server 0.00814; TOPMed 0.00928; gnomAD 0.01208 and 0.01330.
gnomAD v4.1: 2,513 of 1,502,600 alleles (0.17%); highest among the groups gnomAD compares: African/African-American, 3.6%; 34 homozygotes.

Submissions (3):

Labcorp Genetics (formerly Invitae), Labcorp
Classification: Benign. Last evaluated: 2025-10-26. Review status: criteria provided, single submitter. Criteria: Invitae Variant Classification Sherloc (09022015). Collection method: clinical testing. Allele origin: germline.

Illumina Laboratory Services, Illumina
Classification: Likely benign for Epidermolytic palmoplantar keratoderma, 1. Last evaluated: 2017-04-28. Review status: criteria provided, single submitter. Criteria: ICSL Variant Classification Criteria 13 December 2019. Collection method: clinical testing. Allele origin: germline.
Comment: This variant was observed as part of a predisposition screen in an ostensibly healthy population. A literature search was performed for the gene, cDNA change, and amino acid change (where applicable). No publications were found based on this search. Allele frequency data from public databases allowed determination this variant is unlikely to cause disease. Therefore, this variant is classified as likely benign.

Breakthrough Genomics
Classification: Likely benign. Review status: criteria provided, single submitter. Criteria: ACMG Guidelines, 2015. Collection method: not provided. Allele origin: germline. Inheritance: Autosomal dominant inheritance. Affected: yes.

NM_000226.4(KRT9):c.1587T>C (p.Gly529=)

Gene: KRT9 (keratin 9; minus strand). Cytogenetic location: 17q21.2.
Variant type: single nucleotide variant.
Coding change: c.1587T>C on transcript NM_000226.4 (MANE Select); coding-DNA position 1587, T replaced by C.
Protein change: p.Gly529=; no amino-acid change (glycine 529 retained).
Molecular consequence: synonymous variant.
Genome position (GRCh38, 1-based): chr17:41,567,558, A>G on the plus strand (T>C on the coding strand, the complement: KRT9 is on the minus strand). VCF-style: chr17-41567558-A-G. GRCh37 (hg19) VCF-style: chr17-39723810-A-G.
Identifiers: ClinVar variation 323116 (VCV000323116.16), dbSNP rs146001104, ClinGen allele CA8561903.